The following is an entry in ClinVar:

NM_001754.5(RUNX1):c.698del (p.Arg233fs)

Gene: RUNX1 (RUNX family transcription factor 1; minus strand). Cytogenetic location: 21q22.12.
Variant type: Deletion.
Coding change: c.698del on transcript NM_001754.5 (MANE Select); coding-DNA position 698, one base deleted (G; older notation c.698delG).
Protein change: p.Arg233fs; shifts the reading frame from arginine 233.
Molecular consequence: frameshift variant.
Genome position (GRCh38, 1-based): chr21:34,834,517, C deleted on the plus strand (G on the coding strand, the reverse complement: RUNX1 is on the minus strand). VCF-style (leftmost placement, unchanged base first): chr21-34834516-GC-G. GRCh37 (hg19) VCF-style: chr21-36206813-GC-G.
Other names: NM_001754.5:c.698del; c.617del, p.Arg206fs (NM_001001890.3, NM_001122607.2); short protein forms R206fs, R233fs.
Identifiers: ClinVar variation 3255392 (VCV003255392.2), dbSNP rs2517040310.

ClinVar aggregate classification (germline): Pathogenic (3 of 4 stars; one submission).

Conditions:
Hereditary thrombocytopenia and hematologic cancer predisposition syndrome. Identifiers: Orphanet 71290, MedGen CN281654, MONDO:0011071.

Submission:

ClinGen Myeloid Malignancy Variant Curation Expert Panel
Classification: Pathogenic for Hereditary thrombocytopenia and hematologic cancer predisposition syndrome. Last evaluated: 2024-03-26. Review status: reviewed by expert panel. Criteria: ClinGen MyeloMalig ACMG Specifications v2. Collection method: curation. Allele origin: germline. Inheritance: Autosomal dominant inheritance.
Comment: NM_001754.5(RUNX1):c.698del (p.Arg233ProfsTer4) is a variant which is predicted to undergo nonsense mediated decay in a gene in which loss-of-function is an established mechanism (frameshift (-) c.98-c.758 as per VCEP specifications) (PVS1). Transactivation assays demonstrating altered transactivation (<20% of wt, and/or reduced to levels similar to well-established pathogenic variants such as R201Q or R166Q) (17.93%) (PS3_moderate). This variant is completely absent from all population databases with at least 20x coverage for RUNX1 (PM2_Supporting). This variant is a nonsense/frameshift variants that is downstream of c.98 (PM5_Supporting). In summary, this variant meets criteria to be classified as pathogenic. ACMG/AMP criteria applied, as specified by the Myeloid Malignancy Variant Curation Expert Panel for RUNX1: PVS1, PS3_moderate, PM2_supporting, and PM5_supporting.

Literature cited by the submitters: PubMed 34166225.